The following is an entry in ClinVar:

NM_014363.6(SACS):c.909A>G (p.Ala303=)

Gene: SACS (sacsin molecular chaperone; minus strand). Cytogenetic location: 13q12.12.
Variant type: single nucleotide variant.
Coding change: c.909A>G on transcript NM_014363.6 (MANE Select); coding-DNA position 909, A replaced by G.
Protein change: p.Ala303=; no amino-acid change (alanine 303 retained).
Molecular consequence: synonymous variant.
Genome position (GRCh38, 1-based): chr13:23,355,703, T>C on the plus strand (A>G on the coding strand, the complement: SACS is on the minus strand). VCF-style: chr13-23355703-T-C. GRCh37 (hg19) VCF-style: chr13-23929842-T-C.
Other names: c.468A>G, p.Ala156= (NM_001278055.2); c.909A>G (NM_014363.4).
Identifiers: ClinVar variation 260401 (VCV000260401.27), dbSNP rs41315020, ClinGen allele CA6912006.
Genomic context (GRCh38, chr13:23,355,703, plus strand): 5'-AGCCTCTCGGACATATAAGGAAACATCCTGCACACTTTTCAGAAAGAGCAGCACTGTGTC[T>C]GCATCTGCCCTAAAAGACTCAAACAACTCAAGAACCTTCTGCTTATTGTAGAGGTTACTA-3'
Protein context (NP_055178.3, residues 293-313): LELFESFRAD[Ala303=]DTVLLFLKSV

ClinVar aggregate classification (germline): Benign/Likely benign. Review status: criteria provided, multiple submitters, no conflicts (2 of 4 stars). 11 submissions from 11 submitters: Benign (4); Likely benign (2). 5 of the submissions do not count toward it. Last evaluated 2026-02-04.

Conditions:
Spastic paraplegia. Identifiers: MedGen C0037772, HP:0001258.
Charlevoix-Saguenay spastic ataxia (SACS). Also called: Spastic ataxia of Charlevoix-Saguenay; SPASTIC ATAXIA 6, AUTOSOMAL RECESSIVE; AUTOSOMAL RECESSIVE SPASTIC ATAXIA OF CHARLEVOIX-SAGUENAY. Identifiers: Orphanet 98, MedGen C1849140, MONDO:0010041, OMIM 270550.

Allele frequency attached by ClinVar (database versions not stated): TOPMed 0.03436; gnomAD exomes 0.04005 and 0.03721; ESP Exome Variant Server 0.03598; gnomAD 0.03313 and 0.03389; 1000 Genomes Project 0.05092; ExAC 0.03721; 1000 Genomes Project 30x 0.04809.
gnomAD v4.1: 63,969 of 1,614,186 alleles (4%); highest among the groups gnomAD compares: East Asian, 12%; 1,675 homozygotes.

Submissions (11):

Labcorp Genetics (formerly Invitae), Labcorp
Classification: Benign for Spastic paraplegia. Last evaluated: 2026-02-04. Review status: criteria provided, single submitter. Criteria: Invitae Variant Classification Sherloc (09022015). Collection method: clinical testing. Allele origin: germline.

Blueprint Genetics
Classification: Likely benign. Last evaluated: 2024-11-27. Review status: criteria provided, single submitter. Criteria: ACMG Guidelines, 2015. Collection method: clinical testing. Allele origin: germline.

Athena Diagnostics
Classification: Benign. Last evaluated: 2023-10-27. Review status: criteria provided, single submitter. Criteria: Athena Diagnostics Criteria. Collection method: clinical testing. Allele origin: unknown.

GeneDx
Classification: Benign. Last evaluated: 2018-10-09. Review status: criteria provided, single submitter. Criteria: GeneDx Variant Classification Process June 2021. Collection method: clinical testing. Allele origin: germline. Affected: yes.

Breakthrough Genomics
Classification: Likely benign. Review status: criteria provided, single submitter. Criteria: ACMG Guidelines, 2015. Collection method: not provided. Allele origin: germline. Inheritance: Autosomal recessive inheritance. Affected: yes.

PreventionGenetics, part of Exact Sciences
Classification: Benign. Review status: criteria provided, single submitter. Criteria: ACMG Guidelines, 2015. Collection method: clinical testing. Allele origin: germline.

Natera, Inc.
Classification: Benign for Charlevoix-Saguenay type spastic ataxia. Last evaluated: 2020-09-16. Review status: no assertion criteria provided. Collection method: clinical testing. Allele origin: germline. Not counted in ClinVar's aggregate classification.

Mayo Clinic Laboratories, Mayo Clinic
Classification: Benign. Last evaluated: 2016-02-22. Review status: no assertion criteria provided. Collection method: clinical testing. Allele origin: unknown. Not counted in ClinVar's aggregate classification.

Clinical Genetics DNA and cytogenetics Diagnostics Lab, Erasmus MC, Erasmus Medical Center
Classification: Benign. Review status: no assertion criteria provided. Collection method: clinical testing. Allele origin: germline. Affected: yes. Study: VKGL Data-share Consensus. Not counted in ClinVar's aggregate classification.

Joint Genome Diagnostic Labs from Nijmegen and Maastricht, Radboudumc and MUMC+
Classification: Benign. Review status: no assertion criteria provided. Collection method: clinical testing. Allele origin: germline. Affected: yes. Study: VKGL Data-share Consensus. Not counted in ClinVar's aggregate classification.

PROSPAX: an integrated multimodal progression  chart in spastic ataxias, Center for Neurology; Hertie-Institute for Clinical Brain Research
Classification: Likely pathogenic for Charlevoix-Saguenay spastic ataxia. Last evaluated: 2022-01-01. Review status: flagged submission. Criteria: ACMG Guidelines, 2015. Collection method: research. Allele origin: germline. Affected: yes. Not counted in ClinVar's aggregate classification.
ClinVar note: Reason: Outlier claim with insufficient supporting evidence